The following is an entry in ClinVar:

ClinVar aggregate classification (germline): Uncertain significance (1 of 4 stars; one submission).

Allele frequency attached by ClinVar (database versions not stated): TOPMed below 0.00001; gnomAD 0.00001.

Submission:

Labcorp Genetics (formerly Invitae), Labcorp
Classification: Uncertain significance. Last evaluated: 2022-09-06. Review status: criteria provided, single submitter. Criteria: Invitae Variant Classification Sherloc (09022015). Collection method: clinical testing. Allele origin: germline.
Comment: This sequence change replaces proline, which is neutral and non-polar, with serine, which is neutral and polar, at codon 178 of the COL4A5 protein (p.Pro178Ser). This variant is not present in population databases (gnomAD no frequency). This variant has not been reported in the literature in individuals affected with COL4A5-related conditions. Advanced modeling of protein sequence and biophysical properties (such as structural, functional, and spatial information, amino acid conservation, physicochemical variation, residue mobility, and thermodynamic stability) performed at Invitae indicates that this missense variant is not expected to disrupt COL4A5 protein function. In summary, the available evidence is currently insufficient to determine the role of this variant in disease. Therefore, it has been classified as a Variant of Uncertain Significance.

NM_033380.3(COL4A5):c.532C>T (p.Pro178Ser)

Gene: COL4A5 (collagen type IV alpha 5 chain; plus strand). Cytogenetic location: Xq22.3.
Variant type: single nucleotide variant.
Coding change: c.532C>T on transcript NM_033380.3 (MANE Select); coding-DNA position 532, C replaced by T.
Protein change: p.Pro178Ser; replaces proline 178 with serine.
Molecular consequence: missense variant.
Genome position (GRCh38, 1-based): chrX:108,573,640, C>T. VCF-style: chrX-108573640-C-T. GRCh37 (hg19) VCF-style: chrX-107816870-C-T.
Other names: c.532C>T, p.Pro178Ser (NM_000495.5); short protein forms P178S.
Identifiers: ClinVar variation 2172799 (VCV002172799.1), dbSNP rs1471769344, ClinGen allele CA413921076.
Genomic context (GRCh38, chrX:108,573,640, plus strand): 5'-CCAGGTAGTATAATTATGTCATCACTGCCAGGACCAAAGGGTAATCCAGGATATCCAGGT[C>T]CTCCTGGAATACAAGTAAGTATCCAGTGATTTTCTTTTTTTGCTATATTGATTAAACCAG-3'
Protein context (NP_203699.1, residues 168-188): GPKGNPGYPG[Pro178Ser]PGIQGLPGPT